The following is an entry in ClinVar:

NM_006648.4(WNK2):c.86C>A (p.Pro29His)

Gene: WNK2 (WNK lysine deficient protein kinase 2; plus strand). Cytogenetic location: 9q22.31.
Variant type: single nucleotide variant.
Coding change: c.86C>A on transcript NM_006648.4 (MANE Select); coding-DNA position 86, C replaced by A.
Protein change: p.Pro29His; replaces proline 29 with histidine.
Molecular consequence: missense variant.
Genome position (GRCh38, 1-based): chr9:93,185,015, C>A. VCF-style: chr9-93185015-C-A. GRCh37 (hg19) VCF-style: chr9-95947297-C-A.
Other names: c.86C>A, p.Pro29His (NM_001282394.3); short protein forms P29H.
Identifiers: ClinVar variation 3816868 (VCV003816868.1).
Genomic context (GRCh38, chr9:93,185,015, plus strand): 5'-ACGTCCCCGGCACGCTGATGGAGCCCGGGCGCGGCGCGGGGCCCGCGGGCATGGCGGAGC[C>A]TCGGGCGAAGGCGGCGCGGCCGGGGCCCCAGCGCTTTCTGCGGCGCAGCGTGGTAGAGTC-3'
Protein context (NP_006639.3, residues 19-39): RGAGPAGMAE[Pro29His]RAKAARPGPQ

ClinVar aggregate classification (germline): Uncertain significance (1 of 4 stars; one submission).

Submission:

Ambry Genetics
Classification: Uncertain significance. Last evaluated: 2025-01-17. Review status: criteria provided, single submitter. Criteria: Ambry Variant Classification Scheme 2023. Collection method: clinical testing. Allele origin: germline.
Comment: The p.P29H variant (also known as c.86C>A), located in coding exon 1 of the WNK2 gene, results from a C to A substitution at nucleotide position 86. The proline at codon 29 is replaced by histidine, an amino acid with similar properties. This amino acid position is conserved. In addition, this alteration is predicted to be tolerated by in silico analysis. Based on the available evidence, the clinical significance of this variant remains unclear.